The following is an entry in ClinVar:

ClinVar aggregate classification (germline): Likely benign (1 of 4 stars; one submission).

gnomAD v4.1: 94 of 111,560 alleles (0.084%); highest among the groups gnomAD compares: Non-Finnish European, 0.14%; no homozygotes.

Submission:

CeGaT Center for Human Genetics Tuebingen
Classification: Likely benign. Last evaluated: 2026-06-01. Review status: criteria provided, single submitter. Criteria: CeGaT Center For Human Genetics Tuebingen Variant Classification Criteria Version 2. Collection method: clinical testing. Allele origin: germline. Affected: yes. Observed: 1 variant allele.
Comment: ZRSR2: BP4, BP7, BS2

NM_005089.4(ZRSR2):c.122-3664C>T

Gene: ZRSR2 (zinc finger CCCH-type, RNA binding motif and serine/arginine rich 2; plus strand). Cytogenetic location: Xp22.2.
Variant type: single nucleotide variant.
Coding change: c.122-3664C>T on transcript NM_005089.4 (MANE Select); 3664 bases into the intron before coding-DNA position 122, C replaced by T.
Molecular consequence: intron variant.
Genome position (GRCh38, 1-based): chrX:15,796,208, C>T. VCF-style: chrX-15796208-C-T. GRCh37 (hg19) VCF-style: chrX-15814331-C-T.
Identifiers: ClinVar variation 4873358 (VCV004873358.2).